The following is an entry in ClinVar:

ClinVar aggregate classification (germline): Uncertain significance (1 of 4 stars; one submission).

Conditions:
Hereditary cancer-predisposing syndrome. Also called: Neoplastic Syndromes, Hereditary; Hereditary Cancer Syndrome; Tumor predisposition; Hereditary neoplastic syndrome. Identifiers: Orphanet 140162, MedGen C0027672, MeSH D009386, MONDO:0015356.

gnomAD v4.1: 1 of 1,612,024 alleles (0.000062%); highest among the groups gnomAD compares: East Asian, 0.0022%; no homozygotes.

Submission:

Ambry Genetics
Classification: Uncertain significance for Hereditary cancer-predisposing syndrome. Last evaluated: 2025-03-14. Review status: criteria provided, single submitter. Criteria: Ambry Variant Classification Scheme 2023. Collection method: clinical testing. Allele origin: germline.
Comment: The p.Q520H variant (also known as c.1560A>C), located in coding exon 12 of the SDHA gene, results from an A to C substitution at nucleotide position 1560. The glutamine at codon 520 is replaced by histidine, an amino acid with highly similar properties. This amino acid position is conserved. In addition, the in silico prediction for this alteration is inconclusive. Based on the available evidence, the clinical significance of this variant remains unclear.

NM_004168.4(SDHA):c.1560A>C (p.Gln520His)

Gene: SDHA (succinate dehydrogenase complex flavoprotein subunit A; plus strand). Cytogenetic location: 5p15.33.
Variant type: single nucleotide variant.
Coding change: c.1560A>C on transcript NM_004168.4 (MANE Select); coding-DNA position 1560, A replaced by C.
Protein change: p.Gln520His; replaces glutamine 520 with histidine.
Molecular consequence: missense variant. On other transcripts: intron variant (1).
Genome position (GRCh38, 1-based): chr5:251,000, A>C. VCF-style: chr5-251000-A-C. GRCh37 (hg19) VCF-style: chr5-251115-A-C.
Other names: c.1416A>C, p.Gln472His (NM_001294332.2); c.1552-3393A>C (NM_001330758.2); short protein forms Q472H, Q520H.
Identifiers: ClinVar variation 3793563 (VCV003793563.1).
Genomic context (GRCh38, chr5:251,000, plus strand): 5'-GTATGGCTGCTTCTATGGATTAAAAGTTTACAAATAATATTTTGTGCCACAGTCAATGCA[A>C]AATCATGCTGCCGTGTTCCGTGTGGGAAGCGTGTTGCAAGAAGGTTGTGGGAAAATCAGC-3'
Protein context (NP_004159.2, residues 510-530): ELRLSMQKSM[Gln520His]NHAAVFRVGS